The following is an entry in ClinVar:

ClinVar aggregate classification (germline): Uncertain significance. Review status: criteria provided, multiple submitters, no conflicts (2 of 4 stars). 5 submissions from 5 submitters: Uncertain significance (5). Last evaluated 2024-08-07.

Conditions:
Cardiovascular phenotype. Identifiers: MedGen CN230736.
Hypertrophic cardiomyopathy 7. Also called: TNNI3-Related Familial Hypertrophic Cardiomyopathy; Familial hypertrophic cardiomyopathy 7; CARDIOMYOPATHY, FAMILIAL HYPERTROPHIC, 7, MODIFIER OF. Identifiers: MedGen C1860752, MONDO:0013369, OMIM 613690.
Dilated cardiomyopathy 2A (CMD2A). Also called: CARDIOMYOPATHY, CONGESTIVE, AUTOSOMAL RECESSIVE; CARDIOMYOPATHY, DILATED, AUTOSOMAL RECESSIVE. Identifiers: Orphanet 154, MedGen C2678474, MONDO:0012746, OMIM 611880.
Cardiomyopathy, familial restrictive, 1. Identifiers: Orphanet 75249, MedGen C1861861, MONDO:0007270, OMIM 115210.
Dilated cardiomyopathy 1FF (CMD1FF). Identifiers: Orphanet 154, MedGen C2750091, MONDO:0013211, OMIM 613286.
Cardiomyopathy (CMYO). Also called: Cardiomyopathies. Identifiers: Orphanet 167848, MedGen C0878544, MONDO:0004994, HP:0001638. Inheritance: Various modes of inheritance.
Hypertrophic cardiomyopathy. Also called: HYPERTROPHIC MYOCARDIOPATHY. Identifiers: Orphanet 217569, MedGen C0007194, MeSH D002312, MONDO:0005045, HP:0001639.

Allele frequency attached by ClinVar (database versions not stated): gnomAD exomes below 0.00001; TOPMed below 0.00001.
gnomAD v4.1: 12 of 1,591,018 alleles (0.00075%); highest among the groups gnomAD compares: Middle Eastern, 0.019%; no homozygotes.

Submissions (5):

Ambry Genetics
Classification: Uncertain significance for Cardiovascular phenotype. Last evaluated: 2024-08-07. Review status: criteria provided, single submitter. Criteria: Ambry Variant Classification Scheme 2023. Collection method: clinical testing. Allele origin: germline.
Comment: The p.A35V variant (also known as c.104C>T), located in coding exon 3 of the TNNI3 gene, results from a C to T substitution at nucleotide position 104. The alanine at codon 35 is replaced by valine, an amino acid with similar properties. This amino acid position is well conserved in available vertebrate species. In addition, the in silico prediction for this alteration is inconclusive. Based on the available evidence, the clinical significance of this variant remains unclear.

Labcorp Genetics (formerly Invitae), Labcorp
Classification: Uncertain significance for Hypertrophic cardiomyopathy. Last evaluated: 2024-07-15. Review status: criteria provided, single submitter. Criteria: Invitae Variant Classification Sherloc (09022015). Collection method: clinical testing. Allele origin: germline.
Comment: This sequence change replaces alanine, which is neutral and non-polar, with valine, which is neutral and non-polar, at codon 35 of the TNNI3 protein (p.Ala35Val). The frequency data for this variant in the population databases is considered unreliable, as metrics indicate poor data quality at this position in the gnomAD database. This variant has not been reported in the literature in individuals affected with TNNI3-related conditions. ClinVar contains an entry for this variant (Variation ID: 454401). An algorithm developed to predict the effect of missense changes on protein structure and function (PolyPhen-2) suggests that this variant¬†is likely to be tolerated. In summary, the available evidence is currently insufficient to determine the role of this variant in disease. Therefore, it has been classified as a Variant of Uncertain Significance.

All of Us Research Program, National Institutes of Health
Classification: Uncertain significance for Hypertrophic cardiomyopathy. Last evaluated: 2024-05-14. Review status: criteria provided, single submitter. Criteria: ACMG Guidelines, 2015. Collection method: clinical testing. Allele origin: germline. Inheritance: Autosomal dominant inheritance. Observed: 5 variant alleles, 5 heterozygotes.
Comment: This missense variant replaces alanine with valine at codon 35 of the TNNI3 protein. Computational prediction suggests that this variant may not impact protein structure and function (internally defined REVEL score threshold <= 0.5, PMID: 27666373). To our knowledge, functional studies have not been reported for this variant. This variant has not been reported in individuals affected with cardiovascular disorders in the literature. This variant has been identified in 1/211604 chromosomes in the general population by the Genome Aggregation Database (gnomAD). The available evidence is insufficient to determine the role of this variant in disease conclusively. Therefore, this variant is classified as a Variant of Uncertain Significance.

This study involves interpretation of variants in research participants for the purpose of population health screening. Participant phenotype was not available at the time of variant classification. Additional details can be found in publication PMID: 35346344, PMCID: PMC8962531

Color Diagnostics, LLC DBA Color Health
Classification: Uncertain significance for Cardiomyopathy. Last evaluated: 2024-03-06. Review status: criteria provided, single submitter. Criteria: ACMG Guidelines, 2015. Collection method: clinical testing. Allele origin: germline.
Comment: This missense variant replaces alanine with valine at codon 35 of the TNNI3 protein. Computational prediction suggests that this variant may not impact protein structure and function (internally defined REVEL score threshold <= 0.5, PMID: 27666373). To our knowledge, functional studies have not been reported for this variant. This variant has not been reported in individuals affected with cardiovascular disorders in the literature. This variant has been identified in 1/211604 chromosomes in the general population by the Genome Aggregation Database (gnomAD). The available evidence is insufficient to determine the role of this variant in disease conclusively. Therefore, this variant is classified as a Variant of Uncertain Significance.

Fulgent Genetics
Classification: Uncertain significance for Cardiomyopathy, familial restrictive, 1; Dilated cardiomyopathy 2A; Dilated cardiomyopathy 1FF; Hypertrophic cardiomyopathy 7. Last evaluated: 2021-11-05. Review status: criteria provided, single submitter. Criteria: ACMG Guidelines, 2015. Collection method: clinical testing. Allele origin: unknown.

NM_000363.5(TNNI3):c.104C>T (p.Ala35Val)

Gene: TNNI3 (troponin I3, cardiac type; minus strand). Cytogenetic location: 19q13.42.
Variant type: single nucleotide variant.
Coding change: c.104C>T on transcript NM_000363.5 (MANE Select); coding-DNA position 104, C replaced by T.
Protein change: p.Ala35Val; replaces alanine 35 with valine.
Molecular consequence: missense variant.
Genome position (GRCh38, 1-based): chr19:55,157,054, G>A on the plus strand (C>T on the coding strand, the complement: TNNI3 is on the minus strand). VCF-style: chr19-55157054-G-A. GRCh37 (hg19) VCF-style: chr19-55668422-G-A.
Other names: c.104C>T (LRG_432t1); short protein forms A35V.
Identifiers: ClinVar variation 454401 (VCV000454401.15), dbSNP rs1190447904, ClinGen allele CA407442832.